The following is an entry in ClinVar:

ClinVar aggregate classification (germline): Likely benign. Review status: criteria provided, multiple submitters, no conflicts (2 of 4 stars). 2 submissions from 2 submitters: Likely benign (2). Last evaluated 2024-06-17.

Conditions:
Familial cancer of breast. Also called: BREAST CANCER, FAMILIAL; Hereditary breast cancer; hereditary breast carcinoma. Identifiers: Orphanet 227535, MedGen C0346153, MONDO:0016419, OMIM 114480. Disease mechanism: loss of function.
Ataxia-telangiectasia syndrome (AT). Also called: Ataxia-telangiectasia, complementation group D; AT, COMPLEMENTATION GROUP C; ATAXIA-TELANGIECTASIA, COMPLEMENTATION GROUP A; ATAXIA-TELANGIECTASIA, FRESNO VARIANT; Ataxia-telangiectasia, complementation group E; LOUIS-BAR SYNDROME. Identifiers: Orphanet 100, MedGen C0004135, MONDO:0008840, OMIM 208900.

Allele frequency attached by ClinVar (database versions not stated): TOPMed below 0.00001.

Submissions (2):

Myriad Genetics, Inc.
Classification: Likely benign for Familial cancer of breast. Last evaluated: 2024-06-17. Review status: criteria provided, single submitter. Criteria: Myriad Autosomal Dominant, Autosomal Recessive and X-Linked Classification Criteria (2023). Collection method: clinical testing. Allele origin: unknown.
Comment: This variant is considered likely benign. This variant is intronic and is not expected to impact mRNA splicing.

Labcorp Genetics (formerly Invitae), Labcorp
Classification: Likely benign for Ataxia-telangiectasia syndrome. Last evaluated: 2022-10-13. Review status: criteria provided, single submitter. Criteria: Invitae Variant Classification Sherloc (09022015). Collection method: clinical testing. Allele origin: germline.

NM_000051.4(ATM):c.7928-7A>T

Genes: ATM (ATM serine/threonine kinase; plus strand), C11orf65 (chromosome 11 open reading frame 65; minus strand). Cytogenetic location: 11q22.3.
Variant type: single nucleotide variant.
Coding change: c.7928-7A>T on transcript NM_000051.4 (MANE Select); 7 bases into the intron before coding-DNA position 7928, A replaced by T.
Molecular consequence: intron variant.
Genome position (GRCh38, 1-based): chr11:108,333,879, A>T. VCF-style: chr11-108333879-A-T. GRCh37 (hg19) VCF-style: chr11-108204606-A-T.
Other names: c.7928-7A>T (NM_001351834.2); c.641-24808T>A (NM_001330368.2); c.*38+1341T>A (NM_001351110.2).
Identifiers: ClinVar variation 2032329 (VCV002032329.5), dbSNP rs2086542335, ClinGen allele CA1998811801.